The following is an entry in ClinVar:

NM_015072.5(TTLL5):c.3100C>T (p.Gln1034Ter)

Gene: TTLL5 (tubulin tyrosine ligase like 5; plus strand). Cytogenetic location: 14q24.3.
Variant type: single nucleotide variant.
Coding change: c.3100C>T on transcript NM_015072.5 (MANE Select); coding-DNA position 3100, C replaced by T.
Protein change: p.Gln1034Ter; replaces glutamine 1034 with a stop codon.
Molecular consequence: nonsense.
Genome position (GRCh38, 1-based): chr14:75,793,029, C>T. VCF-style: chr14-75793029-C-T. GRCh37 (hg19) VCF-style: chr14-76259372-C-T.
Other names: short protein forms Q1034*.
Identifiers: ClinVar variation 2825833 (VCV002825833.3), dbSNP rs2503347922, ClinGen allele CA390473407.

ClinVar aggregate classification (germline): Pathogenic (1 of 4 stars; one submission).

Submission:

Labcorp Genetics (formerly Invitae), Labcorp
Classification: Pathogenic. Last evaluated: 2023-01-01. Review status: criteria provided, single submitter. Criteria: Invitae Variant Classification Sherloc (09022015). Collection method: clinical testing. Allele origin: germline.
Comment: For these reasons, this variant has been classified as Pathogenic. This variant has not been reported in the literature in individuals affected with TTLL5-related conditions. This variant is not present in population databases (gnomAD no frequency). This sequence change creates a premature translational stop signal (p.Gln1034*) in the TTLL5 gene. It is expected to result in an absent or disrupted protein product. Loss-of-function variants in TTLL5 are known to be pathogenic (PMID: 24791901, 27162334).

Literature cited by the submitters: PubMed 24791901; PubMed 27162334.